The following is an entry in ClinVar:

NM_001145715.3(KPNA7):c.1359_1360delinsTG (p.Ile454Val)

Gene: KPNA7 (karyopherin subunit alpha 7; minus strand). Cytogenetic location: 7q22.1.
Variant type: Indel.
Coding change: c.1359_1360delinsTG on transcript NM_001145715.3 (MANE Select); coding-DNA positions 1359 to 1360, GA replaced by TG.
Protein change: p.Ile454Val; replaces isoleucine 454 with valine.
Molecular consequence: missense variant.
Genome position (GRCh38, 1-based): chr7:99,178,024-99,178,025, TC replaced by CA on the plus strand (GA replaced by TG on the coding strand, the reverse complement: KPNA7 is on the minus strand). VCF-style: chr7-99178024-TC-CA. GRCh37 (hg19) VCF-style: chr7-98775647-TC-CA.
Other names: short protein forms I454V.
Identifiers: ClinVar variation 1713936 (VCV001713936.6), dbSNP rs2535346353, ClinGen allele CA2580077965.

ClinVar aggregate classification (germline): Uncertain significance (1 of 4 stars; one submission).

Submission:

Labcorp Genetics (formerly Invitae), Labcorp
Classification: Uncertain significance. Last evaluated: 2022-10-17. Review status: criteria provided, single submitter. Criteria: Invitae Variant Classification Sherloc (09022015). Collection method: clinical testing. Allele origin: germline.
Comment: Information on the frequency of this variant in the gnomAD database is not available, as this variant may be reported differently in the database. This sequence change replaces isoleucine, which is neutral and non-polar, with valine, which is neutral and non-polar, at codon 454 of the KPNA7 protein (p.Ile454Val). This variant has not been reported in the literature in individuals affected with KPNA7-related conditions. Experimental studies and prediction algorithms are not available or were not evaluated, and the functional significance of this variant is currently unknown. In summary, the available evidence is currently insufficient to determine the role of this variant in disease. Therefore, it has been classified as a Variant of Uncertain Significance.